The following is an entry in ClinVar:

ClinVar aggregate classification (germline): Conflicting classifications of pathogenicity. Review status: criteria provided, conflicting classifications (1 of 4 stars). 3 submissions from 3 submitters: Uncertain significance (2); Likely benign (1). Last evaluated 2025-02-25.

Conditions:
Hereditary cancer-predisposing syndrome. Also called: Neoplastic Syndromes, Hereditary; Hereditary Cancer Syndrome; Tumor predisposition; Hereditary neoplastic syndrome. Identifiers: Orphanet 140162, MedGen C0027672, MeSH D009386, MONDO:0015356.
Ataxia-telangiectasia syndrome (AT). Also called: LOUIS-BAR SYNDROME; Cerebello-oculocutaneous telangiectasia; Immunodeficiency with ataxia telangiectasia; Ataxia-telangiectasia, complementation group D; AT, COMPLEMENTATION GROUP C; Ataxia-telangiectasia, complementation group E. Identifiers: Orphanet 100, MedGen C0004135, MONDO:0008840, OMIM 208900.

Submissions (3):

Color Diagnostics, LLC DBA Color Health
Classification: Likely benign for Hereditary cancer-predisposing syndrome. Last evaluated: 2025-02-25. Review status: criteria provided, single submitter. Criteria: ACMG Guidelines, 2015. Collection method: clinical testing. Allele origin: germline.

Labcorp Genetics (formerly Invitae), Labcorp
Classification: Uncertain significance for Ataxia-telangiectasia syndrome. Last evaluated: 2024-12-23. Review status: criteria provided, single submitter. Criteria: Invitae Variant Classification Sherloc (09022015). Collection method: clinical testing. Allele origin: germline.
Comment: This sequence change replaces methionine, which is neutral and non-polar, with isoleucine, which is neutral and non-polar, at codon 2509 of the ATM protein (p.Met2509Ile). This variant is not present in population databases (gnomAD no frequency). This variant has not been reported in the literature in individuals affected with ATM-related conditions. ClinVar contains an entry for this variant (Variation ID: 407522). Invitae Evidence Modeling of protein sequence and biophysical properties (such as structural, functional, and spatial information, amino acid conservation, physicochemical variation, residue mobility, and thermodynamic stability) indicates that this missense variant is not expected to disrupt ATM protein function with a negative predictive value of 95%. In summary, the available evidence is currently insufficient to determine the role of this variant in disease. Therefore, it has been classified as a Variant of Uncertain Significance.

GeneDx
Classification: Uncertain significance. Last evaluated: 2019-12-05. Review status: criteria provided, single submitter. Criteria: GeneDx Variant Classification Process June 2021. Collection method: clinical testing. Allele origin: germline. Affected: yes.
Comment: Not observed in large population cohorts (Lek 2016); In silico analysis, which includes protein predictors and evolutionary conservation, supports that this variant does not alter protein structure/function; Has not been previously published as pathogenic or benign to our knowledge

NM_000051.4(ATM):c.7527G>A (p.Met2509Ile)

Genes: ATM (ATM serine/threonine kinase; plus strand), C11orf65 (chromosome 11 open reading frame 65; minus strand). Cytogenetic location: 11q22.3.
Variant type: single nucleotide variant.
Coding change: c.7527G>A on transcript NM_000051.4 (MANE Select); coding-DNA position 7527, G replaced by A.
Protein change: p.Met2509Ile; replaces methionine 2509 with isoleucine.
Molecular consequence: missense variant. On other transcripts: non-coding transcript variant (1), intron variant (2).
Genome position (GRCh38, 1-based): chr11:108,331,455, G>A. VCF-style: chr11-108331455-G-A. GRCh37 (hg19) VCF-style: chr11-108202182-G-A.
Other names: c.7527G>A, p.Met2509Ile (NM_001351834.2); c.641-22384C>T (NM_001330368.2); c.*38+3765C>T (NM_001351110.2); short protein forms M2509I.
Identifiers: ClinVar variation 407522 (VCV000407522.48), dbSNP rs1060501579, ClinGen allele CA16613494.
Genomic context (GRCh38, chr11:108,331,455, plus strand): 5'-TATTTGAAATACCTTGTTTCTTAATTTTGTGTCTTTTTTTTAATGGTAGAGAGACGGAAT[G>A]AAGATTCCAACATATAAATTTTTGCCTCTTATGTACCAATTGGCTGCTAGAATGGGGACC-3'
Protein context (NP_000042.3, residues 2499-2519): EVNGMMKRDG[Met2509Ile]KIPTYKFLPL